The following is an entry in ClinVar:

NM_001437.3(ESR2):c.1385T>C (p.Leu462Pro)

Gene: ESR2 (estrogen receptor 2; minus strand). Cytogenetic location: 14q23.2.
Variant type: single nucleotide variant.
Coding change: c.1385T>C on transcript NM_001437.3 (MANE Select); coding-DNA position 1385, T replaced by C.
Protein change: p.Leu462Pro; replaces leucine 462 with proline.
Molecular consequence: missense variant. On other transcripts: non-coding transcript variant (2).
Genome position (GRCh38, 1-based): chr14:64,234,991, A>G on the plus strand (T>C on the coding strand, the complement: ESR2 is on the minus strand). VCF-style: chr14-64234991-A-G. GRCh37 (hg19) VCF-style: chr14-64701709-A-G.
Other names: c.1385T>C, p.Leu462Pro (NM_001040275.1, NM_001214902.1, NM_001271876.1 and 2 more transcripts); c.1112T>C, p.Leu371Pro (NM_001271877.1); c.1385T>C (NM_001437.2); short protein forms L462P, L371P.
Identifiers: ClinVar variation 2178445 (VCV002178445.5), dbSNP rs375446581, ClinGen allele CA7225215.

ClinVar aggregate classification (germline): Uncertain significance. Review status: criteria provided, multiple submitters, no conflicts (2 of 4 stars). 2 submissions from 2 submitters: Uncertain significance (2). Last evaluated 2025-02-25.

Allele frequency attached by ClinVar (database versions not stated): ExAC 0.00001; gnomAD 0.00005; TOPMed 0.00005; ESP Exome Variant Server 0.00008.
gnomAD v4.1: 32 of 1,614,112 alleles (0.002%); highest among the groups gnomAD compares: East Asian, 0.0045%; no homozygotes.

Submissions (2):

Ambry Genetics
Classification: Uncertain significance. Last evaluated: 2025-02-25. Review status: criteria provided, single submitter. Criteria: Ambry Variant Classification Scheme 2023. Collection method: clinical testing. Allele origin: germline.

Labcorp Genetics (formerly Invitae), Labcorp
Classification: Uncertain significance. Last evaluated: 2022-05-08. Review status: criteria provided, single submitter. Criteria: Invitae Variant Classification Sherloc (09022015). Collection method: clinical testing. Allele origin: germline.
Comment: In summary, the available evidence is currently insufficient to determine the role of this variant in disease. Therefore, it has been classified as a Variant of Uncertain Significance. Algorithms developed to predict the effect of missense changes on protein structure and function are either unavailable or do not agree on the potential impact of this missense change (SIFT: "Tolerated"; PolyPhen-2: "Probably Damaging"; Align-GVGD: "Class C0"). This variant has not been reported in the literature in individuals affected with ESR2-related conditions. This variant is present in population databases (rs375446581, gnomAD 0.002%). This sequence change replaces leucine, which is neutral and non-polar, with proline, which is neutral and non-polar, at codon 462 of the ESR2 protein (p.Leu462Pro).